The following is an entry in ClinVar:

NM_005876.5(SPEG):c.4120T>A (p.Ser1374Thr)

Gene: SPEG (striated muscle enriched protein kinase; plus strand). Cytogenetic location: 2q35.
Variant type: single nucleotide variant.
Coding change: c.4120T>A on transcript NM_005876.5 (MANE Select); coding-DNA position 4120, T replaced by A.
Protein change: p.Ser1374Thr; replaces serine 1374 with threonine.
Molecular consequence: missense variant.
Genome position (GRCh38, 1-based): chr2:219,473,069, T>A. VCF-style: chr2-219473069-T-A. GRCh37 (hg19) VCF-style: chr2-220337791-T-A.
Other names: short protein forms S1374T.
Identifiers: ClinVar variation 1476634 (VCV001476634.8), dbSNP rs2125492612, ClinGen allele CA350753544.

ClinVar aggregate classification (germline): Uncertain significance (1 of 4 stars; one submission).

Submission:

Labcorp Genetics (formerly Invitae), Labcorp
Classification: Uncertain significance. Last evaluated: 2022-08-16. Review status: criteria provided, single submitter. Criteria: Invitae Variant Classification Sherloc (09022015). Collection method: clinical testing. Allele origin: germline.
Comment: In summary, the available evidence is currently insufficient to determine the role of this variant in disease. Therefore, it has been classified as a Variant of Uncertain Significance. Algorithms developed to predict the effect of missense changes on protein structure and function (SIFT, PolyPhen-2, Align-GVGD) all suggest that this variant is likely to be tolerated. ClinVar contains an entry for this variant (Variation ID: 1476634). This variant has not been reported in the literature in individuals affected with SPEG-related conditions. This variant is not present in population databases (gnomAD no frequency). This sequence change replaces serine, which is neutral and polar, with threonine, which is neutral and polar, at codon 1374 of the SPEG protein (p.Ser1374Thr).